The following is an entry in ClinVar:

NM_001166108.2(PALLD):c.*175T>A

Genes: CBR4 (carbonyl reductase 4; minus strand), PALLD (palladin, cytoskeletal associated protein; plus strand). Cytogenetic location: 4q32.3.
Variant type: single nucleotide variant.
Coding change: c.*175T>A on transcript NM_001166108.2 (MANE Select); 175 bases downstream of the stop codon, T replaced by A.
Molecular consequence: 3 prime UTR variant. On other transcripts: missense variant (4).
Genome position (GRCh38, 1-based): chr4:168,926,355, T>A. VCF-style: chr4-168926355-T-A. GRCh37 (hg19) VCF-style: chr4-169847506-T-A.
Other names: c.2304T>A, p.Asn768Lys (NM_001166109.2); c.1989T>A, p.Asn663Lys (NM_001166110.2); c.*175T>A (NM_001367567.1, NM_001367570.1, NM_016081.4); c.1380T>A, p.Asn460Lys (NM_001367568.1); c.1329T>A, p.Asn443Lys (NM_001367569.1); short protein forms N460K, N443K, N768K, N663K.
Identifiers: ClinVar variation 3885300 (VCV003885300.1).

ClinVar aggregate classification (germline): Uncertain significance (1 of 4 stars; one submission).

Submission:

Ambry Genetics
Classification: Uncertain significance. Last evaluated: 2025-01-09. Review status: criteria provided, single submitter. Criteria: Ambry Variant Classification Scheme 2023. Collection method: clinical testing. Allele origin: germline.
Comment: The p.N663K variant (also known as c.1989T>A), located in coding exon 11 of the PALLD gene, results from a T to A substitution at nucleotide position 1989. The asparagine at codon 663 is replaced by lysine, an amino acid with similar properties. This amino acid position is conserved. In addition, this alteration is predicted to be tolerated by in silico analysis. Based on the available evidence, the clinical significance of this variant remains unclear.